The following is an entry in ClinVar:

NM_006876.3(B4GAT1):c.363C>T (p.Ser121=)

Gene: B4GAT1 (beta-1,4-glucuronyltransferase 1; minus strand). Cytogenetic location: 11q13.2.
Variant type: single nucleotide variant.
Coding change: c.363C>T on transcript NM_006876.3 (MANE Select); coding-DNA position 363, C replaced by T.
Protein change: p.Ser121=; no amino-acid change (serine 121 retained).
Molecular consequence: synonymous variant.
Genome position (GRCh38, 1-based): chr11:66,347,183, G>A on the plus strand (C>T on the coding strand, the complement: B4GAT1 is on the minus strand). VCF-style: chr11-66347183-G-A. GRCh37 (hg19) VCF-style: chr11-66114654-G-A.
Identifiers: ClinVar variation 422976 (VCV000422976.8), dbSNP rs947725699, ClinGen allele CA16619380.
Genomic context (GRCh38, chr11:66,347,183, plus strand): 5'-CGCGTAGGCCAGCACCGTGGCCAGCTGCGCCTCCTCCTTGGTGGCCGCGAACACCGACAC[G>A]GACAGCGGGCCCTCCCAGCGCTCCAGCAGACCCGACAGGTGCAGCAGGTTGTCCACGCTG-3'
Protein context (NP_006867.1, residues 111-131): GLLERWEGPL[Ser121=]VSVFAATKEE

ClinVar aggregate classification (germline): Likely benign. Review status: criteria provided, multiple submitters, no conflicts (2 of 4 stars). 2 submissions from 2 submitters: Likely benign (2). Last evaluated 2024-09-03.

Conditions:
Muscular dystrophy-dystroglycanopathy (congenital with brain and eye anomalies), type A13. Also called: WALKER-WARBURG SYNDROME OR MUSCLE-EYE-BRAIN DISEASE, B3GNT1-RELATED; Muscular dystrophy-dystroglycanopathy (congenital with brain and eye anomalies), type a, 13. Identifiers: Orphanet 899, MedGen C3809042, MONDO:0014120, OMIM 615287.

Allele frequency attached by ClinVar (database versions not stated): gnomAD 0.00001.

Submissions (2):

Labcorp Genetics (formerly Invitae), Labcorp
Classification: Likely benign for Muscular dystrophy-dystroglycanopathy (congenital with brain and eye anomalies), type A13. Last evaluated: 2024-09-03. Review status: criteria provided, single submitter. Criteria: Invitae Variant Classification Sherloc (09022015). Collection method: clinical testing. Allele origin: germline.

GeneDx
Classification: Likely benign. Last evaluated: 2017-01-10. Review status: criteria provided, single submitter. Criteria: GeneDx Variant Classification (06012015). Collection method: clinical testing. Allele origin: germline. Affected: yes.
Comment: This variant is considered likely benign or benign based on one or more of the following criteria: it is a conservative change, it occurs at a poorly conserved position in the protein, it is predicted to be benign by multiple in silico algorithms, and/or has population frequency not consistent with disease.